The following is an entry in ClinVar:

NM_001005242.3(PKP2):c.50T>A (p.Leu17Gln)

Gene: PKP2 (plakophilin 2; minus strand). Cytogenetic location: 12p11.21.
Variant type: single nucleotide variant.
Coding change: c.50T>A on transcript NM_001005242.3 (MANE Select); coding-DNA position 50, T replaced by A.
Protein change: p.Leu17Gln; replaces leucine 17 with glutamine.
Molecular consequence: missense variant. On other transcripts: 5 prime UTR variant (4).
Genome position (GRCh38, 1-based): chr12:32,896,682, A>T on the plus strand (T>A on the coding strand, the complement: PKP2 is on the minus strand). VCF-style: chr12-32896682-A-T. GRCh37 (hg19) VCF-style: chr12-33049616-A-T.
Other names: c.50T>A, p.Leu17Gln (NM_004572.4, NM_001407155.1, NM_001407156.1 and 2 more transcripts); c.-777T>A (NM_001407158.1, NM_001407162.1); c.-541T>A (NM_001407159.1, NM_001407160.1); short protein forms L17Q.
Identifiers: ClinVar variation 4614731 (VCV004614731.1).
Genomic context (GRCh38, chr12:32,896,682, plus strand): 5'-TTGGCCTCGGAGGGCAGCGCCAGGCTGGAGCTGTCCAGTTGTCCCAGGATCTGCTGGCCC[A>T]GGACGGTCCGGATGTAGCCGTACTCAGCTGGGGCGCCGGGGGCTGCCATGGGGCCGGTGG-3'
Protein context (NP_001005242.2, residues 7-27): PAEYGYIRTV[Leu17Gln]GQQILGQLDS

ClinVar aggregate classification (germline): Uncertain significance (1 of 4 stars; one submission).

Conditions:
Cardiovascular phenotype. Identifiers: MedGen CN230736.

Submission:

Ambry Genetics
Classification: Uncertain significance for Cardiovascular phenotype. Last evaluated: 2025-12-04. Review status: criteria provided, single submitter. Criteria: Ambry Variant Classification Scheme 2023. Collection method: clinical testing. Allele origin: germline.
Comment: The p.L17Q variant (also known as c.50T>A), located in coding exon 1 of the PKP2 gene, results from a T to A substitution at nucleotide position 50. The leucine at codon 17 is replaced by glutamine, an amino acid with dissimilar properties. This amino acid position is highly conserved in available vertebrate species. In addition, the in silico prediction for this alteration is inconclusive. Based on the available evidence, the clinical significance of this variant remains unclear.